The following is an entry in ClinVar:

ClinVar aggregate classification (germline): Benign/Likely benign. Review status: criteria provided, multiple submitters, no conflicts (2 of 4 stars). 5 submissions from 5 submitters: Benign (2); Likely benign (2). 1 of the submissions does not count toward it. Last evaluated 2026-03-01.

Conditions:
TRRAP-related disorder. Also called: TRRAP-related condition.

Allele frequency attached by ClinVar (database versions not stated): TOPMed 0.00022; gnomAD exomes 0.00024 and 0.00032; gnomAD 0.00027 and 0.00029; ESP Exome Variant Server 0.00031; ExAC 0.00035.
gnomAD v4.1: 392 of 1,614,002 alleles (0.024%); highest among the groups gnomAD compares: Non-Finnish European, 0.027%; no homozygotes.

Submissions (5):

CeGaT Center for Human Genetics Tuebingen
Classification: Likely benign. Last evaluated: 2026-03-01. Review status: criteria provided, single submitter. Criteria: CeGaT Center For Human Genetics Tuebingen Variant Classification Criteria Version 2. Collection method: clinical testing. Allele origin: germline. Affected: yes. Observed: 3 variant alleles.
Comment: TRRAP: BP4, BP7

Labcorp Genetics (formerly Invitae), Labcorp
Classification: Benign. Last evaluated: 2026-01-21. Review status: criteria provided, single submitter. Criteria: Invitae Variant Classification Sherloc (09022015). Collection method: clinical testing. Allele origin: germline.

Blueprint Genetics
Classification: Likely benign. Last evaluated: 2024-10-28. Review status: criteria provided, single submitter. Criteria: ACMG Guidelines, 2015. Collection method: clinical testing. Allele origin: germline.

Breakthrough Genomics
Classification: Benign. Review status: criteria provided, single submitter. Criteria: ACMG Guidelines, 2015. Collection method: not provided. Allele origin: germline. Inheritance: Autosomal dominant inheritance. Affected: yes.

PreventionGenetics, part of Exact Sciences
Classification: Likely benign for TRRAP-related condition. Last evaluated: 2019-05-07. Review status: no assertion criteria provided. Collection method: clinical testing. Allele origin: germline. Not counted in ClinVar's aggregate classification.
Comment: This variant is classified as likely benign based on ACMG/AMP sequence variant interpretation guidelines (Richards et al. 2015 PMID: 25741868, with internal and published modifications).

NM_001375524.1(TRRAP):c.6381G>A (p.Glu2127=)

Gene: TRRAP (transformation/transcription domain associated protein; plus strand). Cytogenetic location: 7q22.1.
Variant type: single nucleotide variant.
Coding change: c.6381G>A on transcript NM_001375524.1 (MANE Select); coding-DNA position 6381, G replaced by A.
Protein change: p.Glu2127=; no amino-acid change (glutamic acid 2127 retained).
Molecular consequence: synonymous variant.
Genome position (GRCh38, 1-based): chr7:98,959,382, G>A. VCF-style: chr7-98959382-G-A. GRCh37 (hg19) VCF-style: chr7-98557005-G-A.
Other names: c.6360G>A, p.Glu2120= (NM_001244580.2); c.6306G>A, p.Glu2102= (NM_003496.4); c.6306G>A (NM_003496.3).
Identifiers: ClinVar variation 1599685 (VCV001599685.16), dbSNP rs146661901, ClinGen allele CA4360848.
Genomic context (GRCh38, chr7:98,959,382, plus strand): 5'-TGTAACTCGGATGAATTCCTAGGTTAATGACAACACCAACACAGCGGGGTCCCCTGGGGA[G>A]GTGCTCTCTCGCCGGTGTGTGAACCTTCTGAAGACTGCGTTGCGGCCAGACATGTGGCCC-3'
Protein context (NP_001362453.1, residues 2117-2137): DNTNTAGSPG[Glu2127=]VLSRRCVNLL